The following is an entry in ClinVar:

NM_000091.5(COL4A3):c.4429C>T (p.Gln1477Ter)

Genes: MFF-DT (MFF divergent transcript; minus strand), COL4A3 (collagen type IV alpha 3 chain; plus strand). Cytogenetic location: 2q36.3.
Variant type: single nucleotide variant.
Coding change: c.4429C>T on transcript NM_000091.5 (MANE Select); coding-DNA position 4429, C replaced by T.
Protein change: p.Gln1477Ter; replaces glutamine 1477 with a stop codon.
Molecular consequence: nonsense.
Genome position (GRCh38, 1-based): chr2:227,307,886, C>T. VCF-style: chr2-227307886-C-T. GRCh37 (hg19) VCF-style: chr2-228172602-C-T.
Other names: short protein forms Q1477*.
Identifiers: ClinVar variation 1723923 (VCV001723923.2), dbSNP rs2469931914, ClinGen allele CA350864466.

ClinVar aggregate classification (germline): Likely pathogenic (1 of 4 stars; one submission).

Conditions:
Autosomal recessive Alport syndrome (ATS2). Also called: COL4A3-Related Nephropathy; COL4A4 Alport Syndrome and Thin Basement Membrane Nephropathy; ALPORT SYNDROME 2, AUTOSOMAL RECESSIVE; Alport syndrome type 2. Identifiers: Orphanet 63, Orphanet 88919, MedGen C4746745, MONDO:0008762, OMIM 203780.

Allele frequency attached by ClinVar (database versions not stated): gnomAD exomes below 0.00001.
gnomAD v4.1: 1 of 1,614,124 alleles (0.000062%); highest among the groups gnomAD compares: Admixed American, 0.0017%; no homozygotes.

Submission:

Myriad Genetics, Inc.
Classification: Likely pathogenic for Autosomal recessive Alport syndrome. Last evaluated: 2022-03-22. Review status: criteria provided, single submitter. Criteria: Myriad Women's Health Autosomal Recessive and X-Linked Classification Criteria (2021). Collection method: clinical testing. Allele origin: unknown.
Comment: NM_000091.4(COL4A3):c.4429C>T(Q1477*) is expected to be pathogenic in the context of COL4A3-related Alport syndrome. This variant is predicted to lead to an abnormal or absent protein product due to the creation of a premature termination codon in COL4A3, a gene where loss-of-function variants are known to be pathogenic. Please note: this variant was assessed in the context of healthy population screening.